The following is an entry in ClinVar:

ClinVar aggregate classification (germline): Uncertain significance. Review status: criteria provided, multiple submitters, no conflicts (2 of 4 stars). 2 submissions from 2 submitters: Uncertain significance (2). Last evaluated 2024-12-11.

Conditions:
Inborn genetic diseases. Identifiers: MedGen C0950123, MeSH D030342.

Allele frequency attached by ClinVar (database versions not stated): gnomAD exomes below 0.00001; ExAC 0.00001; gnomAD 0.00001; TOPMed 0.00002.

Submissions (2):

Ambry Genetics
Classification: Uncertain significance for Inborn genetic diseases. Last evaluated: 2024-12-11. Review status: criteria provided, single submitter. Criteria: Ambry Variant Classification Scheme 2023. Collection method: clinical testing. Allele origin: germline.

Labcorp Genetics (formerly Invitae), Labcorp
Classification: Uncertain significance. Last evaluated: 2024-08-30. Review status: criteria provided, single submitter. Criteria: Invitae Variant Classification Sherloc (09022015). Collection method: clinical testing. Allele origin: germline.
Comment: This sequence change replaces methionine, which is neutral and non-polar, with leucine, which is neutral and non-polar, at codon 80 of the SFRP4 protein (p.Met80Leu). This variant is present in population databases (rs778897623, gnomAD 0.01%). This variant has not been reported in the literature in individuals affected with SFRP4-related conditions. ClinVar contains an entry for this variant (Variation ID: 1927079). An algorithm developed to predict the effect of missense changes on protein structure and function (PolyPhen-2) suggests that this variant is likely to be tolerated. In summary, the available evidence is currently insufficient to determine the role of this variant in disease. Therefore, it has been classified as a Variant of Uncertain Significance.

NM_003014.4(SFRP4):c.238A>T (p.Met80Leu)

Gene: SFRP4 (secreted frizzled related protein 4; minus strand). Cytogenetic location: 7p14.1.
Variant type: single nucleotide variant.
Coding change: c.238A>T on transcript NM_003014.4 (MANE Select); coding-DNA position 238, A replaced by T.
Protein change: p.Met80Leu; replaces methionine 80 with leucine.
Molecular consequence: missense variant.
Genome position (GRCh38, 1-based): chr7:37,916,300, T>A on the plus strand (A>T on the coding strand, the complement: SFRP4 is on the minus strand). VCF-style: chr7-37916300-T-A. GRCh37 (hg19) VCF-style: chr7-37955902-T-A.
Other names: c.238A>T (NM_003014.3); short protein forms M80L.
Identifiers: ClinVar variation 1927079 (VCV001927079.6), dbSNP rs778897623, ClinGen allele CA4222916.